The following is an entry in ClinVar:

ClinVar aggregate classification (germline): Benign/Likely benign. Review status: criteria provided, multiple submitters, no conflicts (2 of 4 stars). 5 submissions from 5 submitters: Benign (3); Likely benign (1). 1 of the submissions does not count toward it. Last evaluated 2026-01-17.

Conditions:
ROBO2-related disorder. Also called: ROBO2-related condition.
Vesicoureteral reflux 2 (VUR2). Identifiers: Orphanet 289365, MedGen C1970483, MONDO:0012573, OMIM 610878.

Allele frequency attached by ClinVar (database versions not stated): gnomAD exomes 0.00175; ExAC 0.00198; ESP Exome Variant Server 0.00542; gnomAD 0.00641 and 0.00686; 1000 Genomes Project 0.00739; 1000 Genomes Project 30x 0.00781; TOPMed 0.00836.
gnomAD v4.1: 2,306 of 1,612,444 alleles (0.14%); highest among the groups gnomAD compares: African/African-American, 2.1%; 11 homozygotes.

Submissions (5):

Labcorp Genetics (formerly Invitae), Labcorp
Classification: Benign. Last evaluated: 2026-01-17. Review status: criteria provided, single submitter. Criteria: Invitae Variant Classification Sherloc (09022015). Collection method: clinical testing. Allele origin: germline.

Blueprint Genetics
Classification: Likely benign. Last evaluated: 2024-10-22. Review status: criteria provided, single submitter. Criteria: ACMG Guidelines, 2015. Collection method: clinical testing. Allele origin: germline.

Illumina Laboratory Services, Illumina
Classification: Benign for Vesicoureteral reflux 2. Last evaluated: 2018-01-13. Review status: criteria provided, single submitter. Criteria: ICSL Variant Classification Criteria 13 December 2019. Collection method: clinical testing. Allele origin: germline.
Comment: This variant was observed in the ICSL laboratory as part of a predisposition screen in an ostensibly healthy population. It had not been previously curated by ICSL or reported in the Human Gene Mutation Database (HGMD: prior to June 1st, 2018), and was therefore a candidate for classification through an automated scoring system. Utilizing variant allele frequency, disease prevalence and penetrance estimates, and inheritance mode, an automated score was calculated to assess if this variant is too frequent to cause the disease. Based on the score and internal cut-off values, a variant classified as benign is not then subjected to further curation. The score for this variant resulted in a classification of benign for this disease.

Breakthrough Genomics
Classification: Benign. Review status: criteria provided, single submitter. Criteria: ACMG Guidelines, 2015. Collection method: not provided. Allele origin: germline. Inheritance: Autosomal dominant inheritance. Affected: yes.

PreventionGenetics, part of Exact Sciences
Classification: Benign for ROBO2-related condition. Last evaluated: 2019-09-19. Review status: no assertion criteria provided. Collection method: clinical testing. Allele origin: germline. Not counted in ClinVar's aggregate classification.
Comment: This variant is classified as benign based on ACMG/AMP sequence variant interpretation guidelines (Richards et al. 2015 PMID: 25741868, with internal and published modifications).

NM_001395656.1(ROBO2):c.1072-10G>A

Gene: ROBO2 (roundabout guidance receptor 2; plus strand). Cytogenetic location: 3p12.3.
Variant type: single nucleotide variant.
Coding change: c.1072-10G>A on transcript NM_001395656.1 (MANE Select); 10 bases into the intron before coding-DNA position 1072, G replaced by A.
Molecular consequence: intron variant.
Genome position (GRCh38, 1-based): chr3:77,550,808, G>A. VCF-style: chr3-77550808-G-A. GRCh37 (hg19) VCF-style: chr3-77599959-G-A.
Other names: c.1120-10G>A (NM_001378191.1, NM_001378195.1, NM_001378196.1 and 4 more transcripts); c.1108-10G>A (NM_001128929.3); c.1141-10G>A (NM_001394213.1, NM_001378192.1, NM_001378198.1 and 2 more transcripts); c.1129-10G>A (NM_001394212.1, NM_001395657.1, NM_001394214.1); c.1072-10G>A (NM_001290040.2, NM_001290039.2, NM_001378202.1); c.-859-10G>A (NM_001290065.2); c.1060-10G>A (NM_001378197.1, NM_001378193.1, NM_002942.5).
Identifiers: ClinVar variation 346683 (VCV000346683.17), dbSNP rs115485646, ClinGen allele CA2496966.
Genomic context (GRCh38, chr3:77,550,808, plus strand): 5'-AGTAGCTTTTATTCACATAATTTTTTTAAGTGGAAAATGAATATTGATGAGATTGTGCTT[G>A]CTTCCACAGAACCTACTTTTCCCAAACCAACCCCAGCAGCCCAACAGTAGATGCTCAGTG-3'